The following is an entry in ClinVar:

ClinVar aggregate classification (germline): Uncertain significance. Review status: criteria provided, multiple submitters, no conflicts (2 of 4 stars). 2 submissions from 2 submitters: Uncertain significance (2). Last evaluated 2026-05-19.

Conditions:
Inborn genetic diseases. Identifiers: MedGen C0950123, MeSH D030342.
SAMD9-related disorder. Also called: SAMD9-related condition.

Submissions (2):

Ambry Genetics
Classification: Uncertain significance for Inborn genetic diseases. Last evaluated: 2026-05-19. Review status: criteria provided, single submitter. Criteria: Ambry Variant Classification Scheme 2023. Collection method: clinical testing. Allele origin: germline.
Comment: The p.T962I variant (also known as c.2885C>T), located in coding exon 1 of the SAMD9 gene, results from a C to T substitution at nucleotide position 2885. The threonine at codon 962 is replaced by isoleucine, an amino acid with similar properties. This amino acid position is conserved. In addition, this alteration is predicted to be tolerated by in silico analysis. Based on the available evidence, the clinical significance of this variant remains unclear.

PreventionGenetics, part of Exact Sciences
Classification: Uncertain significance for SAMD9-related condition. Last evaluated: 2022-08-29. Review status: criteria provided, single submitter. Criteria: ACMG Guidelines, 2015. Collection method: clinical testing. Allele origin: germline.
Comment: The SAMD9 c.2885C>T variant is predicted to result in the amino acid substitution p.Thr962Ile. To our knowledge, this variant has not been reported in the literature or in a large population database, indicating this variant is rare. At this time, the clinical significance of this variant is uncertain due to the absence of conclusive functional and genetic evidence.

NM_017654.4(SAMD9):c.2885C>T (p.Thr962Ile)

Gene: SAMD9 (sterile alpha motif domain containing 9; minus strand). Cytogenetic location: 7q21.2.
Variant type: single nucleotide variant.
Coding change: c.2885C>T on transcript NM_017654.4 (MANE Select); coding-DNA position 2885, C replaced by T.
Protein change: p.Thr962Ile; replaces threonine 962 with isoleucine.
Molecular consequence: missense variant.
Genome position (GRCh38, 1-based): chr7:93,103,213, G>A on the plus strand (C>T on the coding strand, the complement: SAMD9 is on the minus strand). VCF-style: chr7-93103213-G-A. GRCh37 (hg19) VCF-style: chr7-92732526-G-A.
Other names: c.2885C>T, p.Thr962Ile (NM_001193307.2); short protein forms T962I.
Identifiers: ClinVar variation 2629312 (VCV002629312.2), dbSNP rs2535357008, ClinGen allele CA368189323.
Genomic context (GRCh38, chr7:93,103,213, plus strand): 5'-CGTACTCCACAGTAGTTCCCACATTCGATGACCTCTGTTTTTATCAGAATTGTAGAGTAG[G>A]TGCCCATCTTGTCTTCAAATTTTTCTGTCCCCCAGAAAGCCTTCTTGTTTCCAATTCCTA-3'
Protein context (NP_060124.2, residues 952-972): GTEKFEDKMG[Thr962Ile]YSTILIKTEV